The following is an entry in ClinVar:

ClinVar aggregate classification (germline): Uncertain significance. Review status: criteria provided, multiple submitters, no conflicts (2 of 4 stars). 2 submissions from 2 submitters: Uncertain significance (2). Last evaluated 2026-03-24.

Conditions:
Inborn genetic diseases. Identifiers: MedGen C0950123, MeSH D030342.

Submissions (2):

Ambry Genetics
Classification: Uncertain significance for Inborn genetic diseases. Last evaluated: 2026-03-24. Review status: criteria provided, single submitter. Criteria: Ambry Variant Classification Scheme 2023. Collection method: clinical testing. Allele origin: germline.
Comment: The c.871C>T (p.R291W) alteration is located in exon 9 (coding exon 9) of the EIF2B4 gene. This alteration results from a C to T substitution at nucleotide position 871, causing the arginine (R) at amino acid position 291 to be replaced by a tryptophan (W). Based on data from gnomAD, the T allele has an overall frequency of 0.001% (2/251324) total alleles studied. The highest observed frequency was 0.002% (2/113626) of European (non-Finnish) alleles. Based on insufficient or conflicting evidence, the clinical significance of this alteration remains unclear.

Blueprint Genetics
Classification: Uncertain significance. Last evaluated: 2021-07-19. Review status: criteria provided, single submitter. Criteria: ACMG Guidelines, 2015. Collection method: clinical testing. Allele origin: germline.

NM_001034116.2(EIF2B4):c.874C>T (p.Arg292Trp)

Genes: EIF2B4 (eukaryotic translation initiation factor 2B subunit delta; minus strand), GTF3C2-AS2 (GTF3C2 antisense RNA 2; plus strand). Cytogenetic location: 2p23.3.
Variant type: single nucleotide variant.
Coding change: c.874C>T on transcript NM_001034116.2 (MANE Select); coding-DNA position 874, C replaced by T.
Protein change: p.Arg292Trp; replaces arginine 292 with tryptophan.
Molecular consequence: missense variant. On other transcripts: non-coding transcript variant (8).
Genome position (GRCh38, 1-based): chr2:27,367,468, G>A on the plus strand (C>T on the coding strand, the complement: EIF2B4 is on the minus strand). VCF-style: chr2-27367468-G-A. GRCh37 (hg19) VCF-style: chr2-27590335-G-A.
Other names: c.937C>T, p.Arg313Trp (NM_001318965.2); c.829C>T, p.Arg277Trp (NM_001318966.2); c.781C>T, p.Arg261Trp (NM_001318967.2); c.289C>T, p.Arg97Trp (NM_001318968.2); c.256C>T, p.Arg86Trp (NM_001318969.2); c.871C>T, p.Arg291Trp (NM_015636.4); c.934C>T, p.Arg312Trp (NM_172195.4); short protein forms R261W, R277W, R291W, R292W, R312W, R313W, R86W, R97W.
Identifiers: ClinVar variation 4870338 (VCV004870338.2).
Genomic context (GRCh38, chr2:27,367,468, plus strand): 5'-TTAATTTTACCCACAGGTGCATGCCTTCCTTATTTCTCATACTCATCACCTCCTCTTCCC[G>A]CTTGGAACTGCCCACACTGGTGATTTCCTTGTTAAGGAACTTGATGGCGTTGTGCATGCT-3'
Protein context (NP_001029288.1, residues 282-302): KEITSVGSSK[Arg292Trp]EEEAKSELRA